The following is an entry in ClinVar:

NM_000051.4(ATM):c.3791A>C (p.His1264Pro)

Gene: ATM (ATM serine/threonine kinase; plus strand). Cytogenetic location: 11q22.3.
Variant type: single nucleotide variant.
Coding change: c.3791A>C on transcript NM_000051.4 (MANE Select); coding-DNA position 3791, A replaced by C.
Protein change: p.His1264Pro; replaces histidine 1264 with proline.
Molecular consequence: missense variant.
Genome position (GRCh38, 1-based): chr11:108,284,271, A>C. VCF-style: chr11-108284271-A-C. GRCh37 (hg19) VCF-style: chr11-108154998-A-C.
Other names: c.3791A>C, p.His1264Pro (NM_001351834.2); short protein forms H1264P.
Identifiers: ClinVar variation 1721789 (VCV001721789.5), dbSNP rs2546886176, ClinGen allele CA382524616.

ClinVar aggregate classification (germline): Uncertain significance (1 of 4 stars; one submission).

Conditions:
Ataxia-telangiectasia syndrome (AT). Also called: Ataxia-telangiectasia, complementation group D; Ataxia telangiectasia (A-T); ATAXIA-TELANGIECTASIA, COMPLEMENTATION GROUP A; LOUIS-BAR SYNDROME; Cerebello-oculocutaneous telangiectasia; Immunodeficiency with ataxia telangiectasia. Identifiers: Orphanet 100, MedGen C0004135, MONDO:0008840, OMIM 208900.

Submission:

Labcorp Genetics (formerly Invitae), Labcorp
Classification: Uncertain significance for Ataxia-telangiectasia syndrome. Last evaluated: 2022-10-17. Review status: criteria provided, single submitter. Criteria: Invitae Variant Classification Sherloc (09022015). Collection method: clinical testing. Allele origin: germline.
Comment: This variant has not been reported in the literature in individuals affected with ATM-related conditions. Algorithms developed to predict the effect of missense changes on protein structure and function (SIFT, PolyPhen-2, Align-GVGD) all suggest that this variant is likely to be tolerated. This sequence change replaces histidine, which is basic and polar, with proline, which is neutral and non-polar, at codon 1264 of the ATM protein (p.His1264Pro). This variant is not present in population databases (gnomAD no frequency). In summary, the available evidence is currently insufficient to determine the role of this variant in disease. Therefore, it has been classified as a Variant of Uncertain Significance.